The following is an entry in ClinVar:

ClinVar aggregate classification (germline): Uncertain significance (1 of 4 stars; one submission).

Conditions:
Pseudohypoaldosteronism, type IB2, autosomal recessive (PHA1B2). Identifiers: MedGen C5774255, MONDO:0859317, OMIM 620125.

Submission:

3billion
Classification: Uncertain significance for Pseudohypoaldosteronism, type IB2, autosomal recessive. Last evaluated: 2025-08-26. Review status: criteria provided, single submitter. Criteria: ACMG Guidelines, 2015. Collection method: clinical testing. Allele origin: germline. Affected: yes.
Comment: The variant is not observed in the gnomAD v4.1.0 dataset. Predicted Consequence/Location: Missense variant In silico tool predictions suggest damaging effect of the variant on gene or gene product [REVEL: 0.71 (>=0.6, sensitivity 0.68 and specificity 0.92)]. Therefore, this variant is classified as VUS according to the recommendation of ACMG/AMP guideline.

NM_000336.3(SCNN1B):c.1606T>C (p.Cys536Arg)

Gene: SCNN1B (sodium channel epithelial 1 subunit beta; plus strand). Cytogenetic location: 16p12.2.
Variant type: single nucleotide variant.
Coding change: c.1606T>C on transcript NM_000336.3 (MANE Select); coding-DNA position 1606, T replaced by C.
Protein change: p.Cys536Arg; replaces cysteine 536 with arginine.
Molecular consequence: missense variant.
Genome position (GRCh38, 1-based): chr16:23,380,484, T>C. VCF-style: chr16-23380484-T-C. GRCh37 (hg19) VCF-style: chr16-23391805-T-C.
Other names: c.1498T>C, p.Cys500Arg (NM_001410900.1); short protein forms C500R, C536R.
Identifiers: ClinVar variation 4854887 (VCV004854887.1).
Genomic context (GRCh38, chr16:23,380,484, plus strand): 5'-GTCTGGCTGCTCTCGAATCTGGGTGGCCAGTTTGGCTTCTGGATGGGGGGCTCTGTGCTG[T>C]GCCTCATCGAGTTTGGGGAGATCATCATCGACTTTGTGTGGATCACCATCATCAAGCTGG-3'
Protein context (NP_000327.2, residues 526-546): FGFWMGGSVL[Cys536Arg]LIEFGEIIID